The following is an entry in ClinVar:

NM_175918.3(CRIPAK):c.439G>A (p.Ala147Thr)

Genes: CRIPAK (cysteine rich PAK1 inhibitor; plus strand), UVSSA (UV stimulated scaffold protein A; plus strand), LOC126806945 (P300/CBP strongly-dependent group 1 enhancer GRCh37_chr4:1388225-1389424; plus strand). Cytogenetic location: 4p16.3.
Variant type: single nucleotide variant.
Coding change: c.439G>A on transcript NM_175918.3; coding-DNA position 439, G replaced by A.
Protein change: p.Ala147Thr; replaces alanine 147 with threonine.
Molecular consequence: missense variant.
Genome position (GRCh38, 1-based): chr4:1,394,950, G>A. VCF-style: chr4-1394950-G-A. GRCh37 (hg19) VCF-style: chr4-1388738-G-A.
Other names: short protein forms A147T.
Identifiers: ClinVar variation 2654566 (VCV002654566.24), dbSNP rs146777511, ClinGen allele CA91252969.
Genomic context (GRCh38, chr4:1,394,950, plus strand): 5'-CTGCTCACACGTGCCCATGCGGAGTGCCCGCCTGCTCACACGTGCCCATGCGGAGTGCCC[G>A]CCTGCTCACACGTGCCCATGCGGAGTGCCCGCCTGCTCACACGTGCCGACGTGGAGTGCC-3'

ClinVar aggregate classification (germline): Likely benign (1 of 4 stars; one submission).

Allele frequency attached by ClinVar (database versions not stated): gnomAD 0.00002; gnomAD exomes 0.00012; ESP Exome Variant Server 0.00048.
gnomAD v4.1: 74 of 1,538,528 alleles (0.0048%); highest among the groups gnomAD compares: Admixed American, 0.064%; 3 homozygotes.

Submission:

CeGaT Center for Human Genetics Tuebingen
Classification: Likely benign. Last evaluated: 2023-06-01. Review status: criteria provided, single submitter. Criteria: CeGaT Center For Human Genetics Tuebingen Variant Classification Criteria Version 2. Collection method: clinical testing. Allele origin: germline. Affected: yes. Observed: 1 variant allele.
Comment: CRIPAK: BP4, BS2